The following is an entry in ClinVar:

NM_005188.4(CBL):c.1941G>A (p.Met647Ile)

Gene: CBL (Cbl proto-oncogene; plus strand). Cytogenetic location: 11q23.3.
Variant type: single nucleotide variant.
Coding change: c.1941G>A on transcript NM_005188.4 (MANE Select); coding-DNA position 1941, G replaced by A.
Protein change: p.Met647Ile; replaces methionine 647 with isoleucine.
Molecular consequence: missense variant.
Genome position (GRCh38, 1-based): chr11:119,285,566, G>A. VCF-style: chr11-119285566-G-A. GRCh37 (hg19) VCF-style: chr11-119156276-G-A.
Other names: short protein forms M647I.
Identifiers: ClinVar variation 4781105 (VCV004781105.1).
Genomic context (GRCh38, chr11:119,285,566, plus strand): 5'-AATGGAGCCCAGACCAGATGTGCCTAGGCTCGGAAGCACGTTCAGTCTGGATACCTCCAT[G>A]GTGAGTCTTAATTTTGAAACTATCTAACCTGTTAAGAAATATGTGTGGGCCAGGCACAGT-3'
Protein context (NP_005179.2, residues 637-657): LGSTFSLDTS[Met647Ile]SMNSSPLVGP

ClinVar aggregate classification (germline): Uncertain significance (1 of 4 stars; one submission).

Conditions:
RASopathy. Also called: rasopathies; Noonan spectrum disorder. Identifiers: Orphanet 536391, MedGen C5555857, MONDO:0021060.

gnomAD v4.1: 1 of 1,613,736 alleles (0.000062%); highest among the groups gnomAD compares: Non-Finnish European, 0.000085%; no homozygotes.

Submission:

Labcorp Genetics (formerly Invitae), Labcorp
Classification: Uncertain significance for RASopathy. Last evaluated: 2025-07-08. Review status: criteria provided, single submitter. Criteria: Invitae Variant Classification Sherloc (09022015). Collection method: clinical testing. Allele origin: germline.
Comment: This sequence change replaces methionine, which is neutral and non-polar, with isoleucine, which is neutral and non-polar, at codon 647 of the CBL protein (p.Met647Ile). This variant also falls at the last nucleotide of exon 11, which is part of the consensus splice site for this exon. This variant is not present in population databases (gnomAD no frequency). This variant has not been reported in the literature in individuals affected with CBL-related conditions. Invitae Evidence Modeling of protein sequence and biophysical properties (such as structural, functional, and spatial information, amino acid conservation, physicochemical variation, residue mobility, and thermodynamic stability) indicates that this missense variant is not expected to disrupt CBL protein function with a negative predictive value of 95%. Variants that disrupt the consensus splice site are a relatively common cause of aberrant splicing (PMID: 17576681, 9536098). Algorithms developed to predict the effect of sequence changes on RNA splicing suggest that this variant may disrupt the consensus splice site. In summary, the available evidence is currently insufficient to determine the role of this variant in disease. Therefore, it has been classified as a Variant of Uncertain Significance.

Literature cited by the submitters: PubMed 17576681; PubMed 9536098.